The following is an entry in ClinVar:

ClinVar aggregate classification (germline): Uncertain significance (1 of 4 stars; one submission).

Submission:

Labcorp Genetics (formerly Invitae), Labcorp
Classification: Uncertain significance. Last evaluated: 2025-08-06. Review status: criteria provided, single submitter. Criteria: Invitae Variant Classification Sherloc (09022015). Collection method: clinical testing. Allele origin: germline.
Comment: This sequence change replaces alanine, which is neutral and non-polar, with valine, which is neutral and non-polar, at codon 558 of the ARHGEF1 protein (p.Ala558Val). This variant is not present in population databases (gnomAD no frequency). This variant has not been reported in the literature in individuals affected with ARHGEF1-related conditions. ClinVar contains an entry for this variant (Variation ID: 3690539). An algorithm developed to predict the effect of missense changes on protein structure and function (PolyPhen-2) suggests that this variant is likely to be disruptive. In summary, the available evidence is currently insufficient to determine the role of this variant in disease. Therefore, it has been classified as a Variant of Uncertain Significance.

NM_004706.4(ARHGEF1):c.1628C>T (p.Ala543Val)

Gene: ARHGEF1 (Rho guanine nucleotide exchange factor 1; plus strand). Cytogenetic location: 19q13.2.
Variant type: single nucleotide variant.
Coding change: c.1628C>T on transcript NM_004706.4 (MANE Select); coding-DNA position 1628, C replaced by T.
Protein change: p.Ala543Val; replaces alanine 543 with valine.
Molecular consequence: missense variant. On other transcripts: non-coding transcript variant (2).
Genome position (GRCh38, 1-based): chr19:41,902,788, C>T. VCF-style: chr19-41902788-C-T. GRCh37 (hg19) VCF-style: chr19-42406938-C-T.
Other names: c.1796C>T, p.Ala599Val (NM_001396000.1); c.1529C>T, p.Ala510Val (NM_001396002.1, NM_001396004.1, NM_198977.2); c.1628C>T, p.Ala543Val (NM_001396003.1, NM_001396006.1); c.1673C>T, p.Ala558Val (NM_199002.2); short protein forms A543V, A599V, A510V, A558V.
Identifiers: ClinVar variation 3690539 (VCV003690539.2).